The following is an entry in ClinVar:

NM_001282116.2(RFX3):c.738C>T (p.Asn246=)

Gene: RFX3 (regulatory factor X3; minus strand). Cytogenetic location: 9p24.2.
Variant type: single nucleotide variant.
Coding change: c.738C>T on transcript NM_001282116.2 (MANE Select); coding-DNA position 738, C replaced by T.
Protein change: p.Asn246=; no amino-acid change (asparagine 246 retained).
Molecular consequence: synonymous variant.
Genome position (GRCh38, 1-based): chr9:3,288,244, G>A on the plus strand (C>T on the coding strand, the complement: RFX3 is on the minus strand). VCF-style: chr9-3288244-G-A. GRCh37 (hg19) VCF-style: chr9-3288244-G-A.
Other names: c.738C>T, p.Asn246= (NM_001282117.2, NM_001377999.1, NM_002919.4 and 1 more transcripts).
Identifiers: ClinVar variation 5041885 (VCV005041885.1).

ClinVar aggregate classification (germline): Likely benign (1 of 4 stars; one submission).

gnomAD v4.1: 80 of 1,611,694 alleles (0.005%); highest among the groups gnomAD compares: East Asian, 0.02%; no homozygotes.

Submission:

CeGaT Center for Human Genetics Tuebingen
Classification: Likely benign. Last evaluated: 2026-07-01. Review status: criteria provided, single submitter. Criteria: CeGaT Center For Human Genetics Tuebingen Variant Classification Criteria Version 2. Collection method: clinical testing. Allele origin: germline. Affected: yes. Observed: 1 variant allele.
Comment: RFX3: BP4, BP7